The following is an entry in ClinVar:

NM_001159699.2(FHL1):c.309C>A (p.Ile103=)

Gene: FHL1 (four and a half LIM domains 1; plus strand). Cytogenetic location: Xq26.3.
Variant type: single nucleotide variant.
Coding change: c.309C>A on transcript NM_001159699.2 (MANE Select); coding-DNA position 309, C replaced by A.
Protein change: p.Ile103=; no amino-acid change (isoleucine 103 retained).
Molecular consequence: synonymous variant. On other transcripts: non-coding transcript variant (1).
Genome position (GRCh38, 1-based): chrX:136,207,120, C>A. VCF-style: chrX-136207120-C-A. GRCh37 (hg19) VCF-style: chrX-135289279-C-A.
Other names: c.261C>A, p.Ile87= (NM_001159700.2, NM_001159702.3, NM_001159703.2 and 9 more transcripts); c.348C>A, p.Ile116= (NM_001159701.2); c.309C>A, p.Ile103= (NM_001330659.2); c.261C>A (NM_001159702.2).
Identifiers: ClinVar variation 1672650 (VCV001672650.11), dbSNP rs372049507, ClinGen allele CA518488956.

ClinVar aggregate classification (germline): Likely benign. Review status: criteria provided, multiple submitters, no conflicts (2 of 4 stars). 3 submissions from 3 submitters: Likely benign (3). Last evaluated 2024-11-20.

Conditions:
FHL1-related disorder. Also called: FHL1-related condition; FHL1-related disorders.
X-linked myopathy with postural muscle atrophy. Also called: FHL1-Related Emery-Dreifuss Muscular Dystrophy, X-Linked. Identifiers: Orphanet 178461, MedGen C2678055, MONDO:0010401, OMIM 300696.
Cardiovascular phenotype. Identifiers: MedGen CN230736.

Allele frequency attached by ClinVar (database versions not stated): TOPMed below 0.00001; gnomAD exomes 0.00001.
gnomAD v4.1: 4 of 1,211,949 alleles (0.00033%); highest among the groups gnomAD compares: Non-Finnish European, 0.00045%; no homozygotes.

Submissions (3):

PreventionGenetics, part of Exact Sciences
Classification: Likely benign for FHL1-related condition. Last evaluated: 2024-11-20. Review status: criteria provided, single submitter. Criteria: ACMG Guidelines, 2015. Collection method: clinical testing. Allele origin: germline.
Comment: This variant is classified as likely benign based on ACMG/AMP sequence variant interpretation guidelines (Richards et al. 2015 PMID: 25741868, with internal and published modifications).

Labcorp Genetics (formerly Invitae), Labcorp
Classification: Likely benign for X-linked myopathy with postural muscle atrophy. Last evaluated: 2024-07-24. Review status: criteria provided, single submitter. Criteria: Invitae Variant Classification Sherloc (09022015). Collection method: clinical testing. Allele origin: germline.

Ambry Genetics
Classification: Likely benign for Cardiovascular phenotype. Last evaluated: 2022-02-14. Review status: criteria provided, single submitter. Criteria: Ambry Variant Classification Scheme 2023. Collection method: clinical testing. Allele origin: germline.